The following is an entry in ClinVar:

ClinVar aggregate classification (germline): Likely benign. Review status: criteria provided, multiple submitters, no conflicts (2 of 4 stars). 3 submissions from 3 submitters: Likely benign (3). Last evaluated 2025-08-24.

Conditions:
Hereditary cancer-predisposing syndrome. Also called: Neoplastic Syndromes, Hereditary; Tumor predisposition; Hereditary neoplastic syndrome; Hereditary Cancer Syndrome. Identifiers: Orphanet 140162, MedGen C0027672, MeSH D009386, MONDO:0015356.
Familial cancer of breast. Also called: BREAST CANCER, FAMILIAL; Hereditary breast cancer; hereditary breast carcinoma. Identifiers: Orphanet 227535, MedGen C0346153, MONDO:0016419, OMIM 114480. Disease mechanism: loss of function.

Allele frequency attached by ClinVar (database versions not stated): gnomAD exomes below 0.00001 and 0.00002; TOPMed below 0.00001; ExAC 0.00003.
gnomAD v4.1: 7 of 1,577,048 alleles (0.00044%); highest among the groups gnomAD compares: South Asian, 0.0033%; no homozygotes.

Submissions (3):

Labcorp Genetics (formerly Invitae), Labcorp
Classification: Likely benign for Familial cancer of breast. Last evaluated: 2025-08-24. Review status: criteria provided, single submitter. Criteria: Invitae Variant Classification Sherloc (09022015). Collection method: clinical testing. Allele origin: germline.

Myriad Genetics, Inc.
Classification: Likely benign for Familial cancer of breast. Last evaluated: 2024-07-25. Review status: criteria provided, single submitter. Criteria: Myriad Autosomal Dominant, Autosomal Recessive and X-Linked Classification Criteria (2023). Collection method: clinical testing. Allele origin: unknown.
Comment: This variant is considered likely benign. This variant is intronic and is not expected to impact mRNA splicing.

Color Diagnostics, LLC DBA Color Health
Classification: Likely benign for Hereditary cancer-predisposing syndrome. Last evaluated: 2017-11-03. Review status: criteria provided, single submitter. Criteria: ACMG Guidelines, 2015. Collection method: clinical testing. Allele origin: germline.

NM_000465.4(BARD1):c.1569-20A>G

Gene: BARD1 (BRCA1 associated RING domain 1; minus strand). Cytogenetic location: 2q35.
Variant type: single nucleotide variant.
Coding change: c.1569-20A>G on transcript NM_000465.4 (MANE Select); 20 bases into the intron before coding-DNA position 1569, A replaced by G.
Molecular consequence: intron variant.
Genome position (GRCh38, 1-based): chr2:214,752,575, T>C on the plus strand (A>G on the coding strand, the complement: BARD1 is on the minus strand). VCF-style: chr2-214752575-T-C. GRCh37 (hg19) VCF-style: chr2-215617299-T-C.
Other names: c.159-20A>G (NM_001282548.2); c.1512-20A>G (NM_001282543.2); c.216-20A>G (NM_001282545.2); c.365-22067A>G (NM_001282549.2); c.1569-20A>G (LRG_297t1).
Identifiers: ClinVar variation 629876 (VCV000629876.12), dbSNP rs751731322, ClinGen allele CA2090219.